The following is an entry in ClinVar:

ClinVar aggregate classification (germline): Uncertain significance (1 of 4 stars; one submission).

Submission:

GeneDx
Classification: Uncertain significance. Last evaluated: 2024-04-30. Review status: criteria provided, single submitter. Criteria: GeneDx Variant Classification Process June 2021. Collection method: clinical testing. Allele origin: germline. Affected: yes.
Comment: Not observed at significant frequency in large population cohorts (gnomAD); In silico analysis supports that this missense variant has a deleterious effect on protein structure/function; Has not been previously published as pathogenic or benign to our knowledge

NM_001080414.4(CCDC88C):c.1385C>A (p.Ser462Tyr)

Gene: CCDC88C (coiled-coil domain containing 88C; minus strand). Cytogenetic location: 14q32.11.
Variant type: single nucleotide variant.
Coding change: c.1385C>A on transcript NM_001080414.4 (MANE Select); coding-DNA position 1385, C replaced by A.
Protein change: p.Ser462Tyr; replaces serine 462 with tyrosine.
Molecular consequence: missense variant. On other transcripts: non-coding transcript variant (2).
Genome position (GRCh38, 1-based): chr14:91,321,262, G>T on the plus strand (C>A on the coding strand, the complement: CCDC88C is on the minus strand). VCF-style: chr14-91321262-G-T. GRCh37 (hg19) VCF-style: chr14-91787606-G-T.
Other names: short protein forms S462Y.
Identifiers: ClinVar variation 3372085 (VCV003372085.1).